The following is an entry in ClinVar:

ClinVar aggregate classification (germline): Likely pathogenic (1 of 4 stars; one submission).

Conditions:
Fabry disease. Also called: ALPHA-GALACTOSIDASE A DEFICIENCY; ANDERSON-FABRY DISEASE; CERAMIDE TRIHEXOSIDASE DEFICIENCY; GLA DEFICIENCY; HEREDITARY DYSTOPIC LIPIDOSIS; Angiokeratoma corporis diffusum. Identifiers: Orphanet 324, MedGen C0002986, MONDO:0010526, OMIM 301500, HP:0001071. Disease mechanism: Fabry disease is due to inactivating mutations in the X-linked GLA gene resulting in deficiency of the enzyme Alpha Galactosidase-A., loss of function.

Submission:

Genomenon, Inc
Classification: Likely pathogenic for Fabry disease. Last evaluated: 2026-09-08. Review status: criteria provided, single submitter. Criteria: Genomenon Sequence Variant Interpretation Standards - Updated. Collection method: curation. Allele origin: germline. Affected: no.
Comment: GLA p.Leu394_Gly395insVal (c.1181_1183dup) is an in-frame variant that results in the insertion of a Valine between codons 394 and 395. To our knowledge, this variant has not been reported in patients affected with Fabry disease in the published literature. At least one functional study has demonstrated a substantial alteration in protein function relative to the wild-type (PMID:27657681). It is absent or not present at a significant frequency in gnomAD. In conclusion, we classify GLA p.Leu394_Gly395insVal (c.1181_1183dup) as a likely pathogenic variant.

Literature cited by the submitters: PubMed 27657681.

NM_000169.3(GLA):c.1181_1183dup (p.Leu394_Gly395insVal)

Genes: GLA (galactosidase alpha; minus strand), RPL36A-HNRNPH2 (RPL36A-HNRNPH2 readthrough; plus strand). Cytogenetic location: Xq22.1.
Variant type: Duplication.
Coding change: c.1181_1183dup on transcript NM_000169.3 (MANE Select); coding-DNA positions 1181 to 1183, 3 bases duplicated (TAG; older notation c.1181_1183dupTAG).
Protein change: p.Leu394_Gly395insVal.
Molecular consequence: inframe insertion. On other transcripts: non-coding transcript variant (3), intron variant (2).
Genome position (GRCh38, 1-based): chrX:101,397,916-101,397,918, CTA duplicated on the plus strand (TAG on the coding strand, the reverse complement: GLA is on the minus strand). VCF-style (leftmost placement, unchanged base first): chrX-101397915-C-CCTA. GRCh37 (hg19) VCF-style: chrX-100652903-C-CCTA.
Other names: c.1304_1306dup, p.Leu435_Gly436insVal (NM_001406747.1); c.300+2459_300+2461dup (NM_001199973.2); c.177+6094_177+6096dup (NM_001199974.2).
Identifiers: ClinVar variation 4087092 (VCV004087092.2).
Genomic context (GRCh38, chrX:101,397,915, plus strand): 5'-AGCAAAACAGTGCCTGTGGGATTTATGTGACTTCTTAACCTTGAAGTCCATTCATAGAAC[C>CCTA]CTAGCTTCCTTTTCACAGGGAGGAGCTGTGTGATGAAGCAGGCAGGATTACAGGCCACTC-3'